The following is an entry in ClinVar:

NM_001009944.3(PKD1):c.8002C>G (p.Leu2668Val)

Gene: PKD1 (polycystin 1, transient receptor potential channel interacting; minus strand). Cytogenetic location: 16p13.3.
Variant type: single nucleotide variant.
Coding change: c.8002C>G on transcript NM_001009944.3 (MANE Select); coding-DNA position 8002, C replaced by G.
Protein change: p.Leu2668Val; replaces leucine 2668 with valine.
Molecular consequence: missense variant.
Genome position (GRCh38, 1-based): chr16:2,105,336, G>C on the plus strand (C>G on the coding strand, the complement: PKD1 is on the minus strand). VCF-style: chr16-2105336-G-C. GRCh37 (hg19) VCF-style: chr16-2155337-G-C.
Other names: c.8002C>G (NM_000296.3); c.8002C>G, p.Leu2668Val (NM_000296.4); short protein forms L2668V.
Identifiers: ClinVar variation 997263 (VCV000997263.11), dbSNP rs761726794, ClinGen allele CA7830784.
Genomic context (GRCh38, chr16:2,105,336, plus strand): 5'-CCCTGGCAGGCATGCGGGGCAGGGTGAGCAGGTGGGGCCATCCTACCATGCACTGGGCCA[G>C]CGCAGCAGCGATCTGCTGGATGTCATCCACAGTGTGGACCCTCAGGGACACCAGAGTCTC-3'
Protein context (NP_001009944.3, residues 2658-2678): VDDIQQIAAA[Leu2668Val]AQCMGPSREL

ClinVar aggregate classification (germline): Conflicting classifications of pathogenicity. Review status: criteria provided, conflicting classifications (1 of 4 stars). 8 submissions from 8 submitters: Uncertain significance (6); Likely benign (1). 1 of the submissions does not count toward it. Last evaluated 2026-10-06.

Conditions:
Inborn genetic diseases. Identifiers: MedGen C0950123, MeSH D030342.
Polycystic kidney disease, adult type (PKD1). Also called: Polycystic Kidney Disease 1, Autosomal Dominant; Polycystic kidney disease 1; Polycystic kidney disease 1, severe; Polycystic Kidney, Autosomal Dominant; POLYCYSTIC KIDNEY DISEASE 1 WITH OR WITHOUT POLYCYSTIC LIVER DISEASE; POLYCYSTIC KIDNEY DISEASE, ADULT, TYPE I. Identifiers: MedGen C3149841, MONDO:0008263, OMIM 173900.
Polycystic kidney disease. Also called: Kidney, Polycystic; Polycystic kidney dysplasia. Identifiers: MedGen C0022680, MeSH D007690, MONDO:0020642, HP:0000113.

Allele frequency attached by ClinVar (database versions not stated): TOPMed 0.00002; gnomAD 0.00003 and 0.00004.
gnomAD v4.1: 34 of 1,593,728 alleles (0.0021%); highest among the groups gnomAD compares: Middle Eastern, 0.16%; no homozygotes.

Submissions (8):

GeneDx
Classification: Uncertain significance. Last evaluated: 2026-10-06. Review status: criteria provided, single submitter. Criteria: GeneDx Variant Classification Process June 2021. Collection method: clinical testing. Allele origin: germline.
Comment: In silico analysis suggests that this missense variant does not alter protein structure/function; Has not been previously published as pathogenic or benign to our knowledge

Genomic Medicine Center of Excellence, King Faisal Specialist Hospital and Research Centre
Classification: Uncertain significance for Polycystic kidney disease, adult type. Last evaluated: 2025-09-10. Review status: criteria provided, single submitter. Criteria: ACMG Guidelines, 2015. Collection method: clinical testing. Allele origin: germline.

Victorian Clinical Genetics Services, Murdoch Childrens Research Institute
Classification: Uncertain significance for Polycystic kidney disease, adult type. Last evaluated: 2024-10-10. Review status: criteria provided, single submitter. Criteria: ACMG Guidelines, 2015. Collection method: clinical testing. Allele origin: germline. Inheritance: Autosomal dominant inheritance. Affected: yes.
Comment: Based on the classification scheme VCGS_Germline_v1.3.5, this variant is classified as VUS-3C. Following criteria are met: 0102 - Loss of function is a known mechanism of disease in this gene and is associated with polycystic kidney disease 1 (MIM#173900). (I) 0107 - This gene is associated with autosomal dominant disease. Polycystic kidney disease 1 (MIM#173900) is predominantly caused by monoallelic variants, with rare reports of biallelic variants causing disease (OMIM). (I) 0200 - Variant is predicted to result in a missense amino acid change from leucine to valine. (I) 0251 - This variant is heterozygous. (I) 0302 - Variant is present in gnomAD (v4) <0.001 for a dominant condition (34 heterozygotes, 0 homozygote). (SP) 0502 - Missense variant with conflicting in silico predictions and uninformative conservation. (I) 0604 - Variant is not located in an established domain, motif, hotspot or informative constraint region. (I) 0703 - Other missense variants comparable to the one identified in this case have moderate previous evidence for pathogenicity. p.(Leu2668Pro) has been identified in multiple affected families (PMIDs: 29529603, 24611717). (SP) 0809 - Previous evidence of pathogenicity for this variant is inconclusive. There are multiple VUS reports in ClinVar. (I) 0905 - No published segregation evidence has been identified for this variant. (I) 1007 - No published functional evidence has been identified for this variant. (I) 1208 - Inheritance information for this variant is not currently available in this individual. (I) Legend: (SP) - Supporting pathogenic, (I) - Information, (SB) - Supporting benign

Fulgent Genetics
Classification: Uncertain significance for Polycystic kidney disease, adult type. Last evaluated: 2024-03-28. Review status: criteria provided, single submitter. Criteria: ACMG Guidelines, 2015. Collection method: clinical testing. Allele origin: germline.

Ambry Genetics
Classification: Uncertain significance for Inborn genetic diseases. Last evaluated: 2023-03-24. Review status: criteria provided, single submitter. Criteria: Ambry Variant Classification Scheme 2023. Collection method: clinical testing. Allele origin: germline.

Blueprint Genetics
Classification: Likely benign. Last evaluated: 2022-10-28. Review status: criteria provided, single submitter. Criteria: ACMG Guidelines, 2015. Collection method: clinical testing. Allele origin: germline.

Baylor Genetics
Classification: Uncertain significance for Polycystic kidney disease, adult type. Last evaluated: 2020-02-12. Review status: criteria provided, single submitter. Criteria: ACMG Guidelines, 2015. Collection method: clinical testing. Allele origin: unknown. Affected: yes.
Comment: This variant was determined to be of uncertain significance according to ACMG Guidelines, 2015 [PMID:25741868].

Department of Pathology and Laboratory Medicine, Sinai Health System
Classification: Uncertain significance for Polycystic Kidney disease. Review status: no assertion criteria provided. Collection method: clinical testing. Allele origin: unknown. Affected: yes. Study: The Canadian Open Genetics Repository (COGR). Not counted in ClinVar's aggregate classification.
Comment: PKD1, EXON21, c.8002C>G, p.Leu2668Val, Heterozygous, Uncertain SignificancernThe PKD1 p.Leu2668Val variant was not identified in the literature nor was it identified in the following databases: ClinVar, LOVD 3.0, ADPKD Mutation Database, or PKD1-LOVD. The variant was identified in dbSNP (ID: rs761726794) and in control databases in 6 of 253132 chromosomes at a frequency of 0.00002 (Genome Aggregation Database Feb 27, 2017). The variant was observed in the following populations: European in 4 of 118566 chromosomes (freq: 0.00003) and South Asian in 2 of 30312 chromosomes (freq: 0.00007), but not in the African, Other, Latino, Ashkenazi Jewish, East Asian, or Finnish populations. The p.Leu2668 residue is conserved in mammals but not in more distantly related organisms, although four out of five computational analyses (PolyPhen-2, SIFT, AlignGVGD, BLOSUM, MutationTaster) do not suggest a high likelihood of impact to the protein; this information is not predictive enough to rule out pathogenicity. The variant occurs outside of the splicing consensus sequence and 1 of 4 in silico or computational prediction software programs (SpliceSiteFinder, MaxEntScan, NNSPLICE, GeneSplicer) predicts a greater than 10% difference in splicing. In summary, based on the above information, the clinical significance of this variant cannot be determined with certainty at this time. This variant is classified as a variant of uncertain significance. Assessment Date: 2019/06/26

Literature cited by the submitters: PubMed 24611717 (cited by Victorian Clinical Genetics Services, Murdoch Childrens Research Institute); PubMed 29529603 (cited by Victorian Clinical Genetics Services, Murdoch Childrens Research Institute).